The following is an entry in ClinVar:

NM_032119.4(ADGRV1):c.8731-9T>C

Gene: ADGRV1 (adhesion G protein-coupled receptor V1; plus strand). Cytogenetic location: 5q14.3.
Variant type: single nucleotide variant.
Coding change: c.8731-9T>C on transcript NM_032119.4 (MANE Select); 9 bases into the intron before coding-DNA position 8731, T replaced by C.
Molecular consequence: intron variant.
Genome position (GRCh38, 1-based): chr5:90,708,807, T>C. VCF-style: chr5-90708807-T-C. GRCh37 (hg19) VCF-style: chr5-90004624-T-C.
Identifiers: ClinVar variation 4995486 (VCV004995486.1).
Genomic context (GRCh38, chr5:90,708,807, plus strand): 5'-AAACAGTTTCTGAGGGTTAATTACTTTGAGAGTATAACTAAAGGAATTTAATGAGTGTAA[T>C]TTTTTCAGGATGATGTACCAGAGCTAGAAGAATATTTCCTGGTGAATTTAACTTACGTTG-3'

ClinVar aggregate classification (germline): Uncertain significance (1 of 4 stars; one submission).

Conditions:
ADGRV1-related disorder. Also called: ADGRV1-related condition; ADGRV1-related disorders.

Submission:

PreventionGenetics, part of Exact Sciences
Classification: Uncertain significance for ADGRV1-related condition. Last evaluated: 2026-03-12. Review status: criteria provided, single submitter. Criteria: ACMG Guidelines, 2015. Collection method: clinical testing. Allele origin: germline.
Comment: The ADGRV1 c.8731-9T>C variant is predicted to interfere with splicing. To our knowledge, this variant has not been reported in the literature or in a large population database (gnomAD), indicating this variant is rare. At this time, the clinical significance of this variant is uncertain due to the absence of conclusive functional and genetic evidence.